The following is an entry in ClinVar:

ClinVar aggregate classification (germline): Uncertain significance. Review status: criteria provided, multiple submitters, no conflicts (2 of 4 stars). 2 submissions from 2 submitters: Uncertain significance (2). Last evaluated 2024-05-07.

Conditions:
Gorlin syndrome. Also called: Nevoid Basal Cell Carcinoma Syndrome; Basal cell nevus syndrome. Identifiers: Orphanet 377, MedGen C0004779, MONDO:0007187.
Hereditary cancer-predisposing syndrome. Also called: Neoplastic Syndromes, Hereditary; Hereditary neoplastic syndrome; Tumor predisposition; Hereditary Cancer Syndrome. Identifiers: Orphanet 140162, MedGen C0027672, MeSH D009386, MONDO:0015356.

gnomAD v4.1: 1 of 1,614,092 alleles (0.000062%); highest among the groups gnomAD compares: Non-Finnish European, 0.000085%; no homozygotes.

Submissions (2):

Ambry Genetics
Classification: Uncertain significance for Hereditary cancer-predisposing syndrome. Last evaluated: 2024-05-07. Review status: criteria provided, single submitter. Criteria: Ambry Variant Classification Scheme 2023. Collection method: clinical testing. Allele origin: germline.
Comment: The p.S597G variant (also known as c.1789A>G), located in coding exon 13 of the PTCH1 gene, results from an A to G substitution at nucleotide position 1789. The serine at codon 597 is replaced by glycine, an amino acid with similar properties. This amino acid position is highly conserved in available vertebrate species. In addition, this alteration is predicted to be deleterious by in silico analysis. Based on the available evidence, the clinical significance of this variant remains unclear.

Labcorp Genetics (formerly Invitae), Labcorp
Classification: Uncertain significance for Gorlin syndrome. Last evaluated: 2024-04-01. Review status: criteria provided, single submitter. Criteria: Invitae Variant Classification Sherloc (09022015). Collection method: clinical testing. Allele origin: germline.
Comment: This sequence change replaces serine, which is neutral and polar, with glycine, which is neutral and non-polar, at codon 597 of the PTCH1 protein (p.Ser597Gly). This variant is not present in population databases (gnomAD no frequency). This variant has not been reported in the literature in individuals affected with PTCH1-related conditions. Advanced modeling of protein sequence and biophysical properties (such as structural, functional, and spatial information, amino acid conservation, physicochemical variation, residue mobility, and thermodynamic stability) performed at Invitae indicates that this missense variant is not expected to disrupt PTCH1 protein function with a negative predictive value of 95%. In summary, the available evidence is currently insufficient to determine the role of this variant in disease. Therefore, it has been classified as a Variant of Uncertain Significance.

NM_000264.5(PTCH1):c.1789A>G (p.Ser597Gly)

Genes: PTCH1 (patched 1; minus strand), LOC100507346 (uncharacterized LOC100507346; plus strand). Cytogenetic location: 9q22.32.
Variant type: single nucleotide variant.
Coding change: c.1789A>G on transcript NM_000264.5 (MANE Select); coding-DNA position 1789, A replaced by G.
Protein change: p.Ser597Gly; replaces serine 597 with glycine.
Molecular consequence: missense variant. On other transcripts: non-coding transcript variant (2).
Genome position (GRCh38, 1-based): chr9:95,469,871, T>C on the plus strand (A>G on the coding strand, the complement: PTCH1 is on the minus strand). VCF-style: chr9-95469871-T-C. GRCh37 (hg19) VCF-style: chr9-98232153-T-C.
Other names: c.1591A>G, p.Ser531Gly (NM_001083602.3); c.1786A>G, p.Ser596Gly (NM_001083603.3); c.1336A>G, p.Ser446Gly (NM_001083604.3, NM_001083605.3, NM_001083606.3 and 1 more transcripts); c.1633A>G, p.Ser545Gly (NM_001354918.2); short protein forms S545G, S597G, S446G, S531G, S596G.
Identifiers: ClinVar variation 3311165 (VCV003311165.3).
Genomic context (GRCh38, chr9:95,469,871, plus strand): 5'-ACCTTGTAAAACAGCAGAAAATATCCAGTCTCCTGTCCTCGCGTCGATATAAATCCATGC[T>C]GAGAATTGCAGGAAAAATGAGCAGAACCATGGCAAAATTGAACACCACTACTACCGCTGC-3'
Protein context (NP_000255.2, residues 587-607): MVLLIFPAIL[Ser597Gly]MDLYRREDRR